The following is an entry in ClinVar:

NM_000535.7(PMS2):c.600A>C (p.Val200=)

Gene: PMS2 (PMS1 homolog 2, mismatch repair system component; minus strand). Cytogenetic location: 7p22.1.
Variant type: single nucleotide variant.
Coding change: c.600A>C on transcript NM_000535.7 (MANE Select); coding-DNA position 600, A replaced by C.
Protein change: p.Val200=; no amino-acid change (valine 200 retained).
Molecular consequence: synonymous variant. On other transcripts: 5 prime UTR variant (2), non-coding transcript variant (1), intron variant (1).
Genome position (GRCh38, 1-based): chr7:5,999,213, T>G on the plus strand (A>C on the coding strand, the complement: PMS2 is on the minus strand). VCF-style: chr7-5999213-T-G. GRCh37 (hg19) VCF-style: chr7-6038844-T-G.
Other names: c.195A>C, p.Val65= (NM_001322003.2, NM_001322004.2, NM_001322005.2 and 2 more transcripts); c.600A>C, p.Val200= (NM_001322006.2, NM_001322014.2); c.282A>C, p.Val94= (NM_001322007.2, NM_001322008.2); c.-334A>C (NM_001322011.2, NM_001322012.2); c.291A>C, p.Val97= (NM_001322015.2); c.133-1790A>C (NM_001322013.2).
Identifiers: ClinVar variation 1092195 (VCV001092195.10), dbSNP rs1583387143, ClinGen allele CA453647146.
Genomic context (GRCh38, chr7:5,999,213, plus strand): 5'-GCTTCCACCTGTGCATACCACAGGCTGTCGTTTTCCTTGTCCAAGCTGATTGGTGCAACT[T>G]ACACGGATGCCTGCTGAAATGATACAGTATGCATGTAAGACCTGGACCATTTTGGCATAC-3'
Protein context (NP_000526.2, residues 190-210): AYCIISAGIR[Val200=]SCTNQLGQGK

ClinVar aggregate classification (germline): Benign/Likely benign. Review status: criteria provided, multiple submitters, no conflicts (2 of 4 stars). 2 submissions from 2 submitters: Benign (1); Likely benign (1). Last evaluated 2025-01-27.

Conditions:
Lynch syndrome 4 (LYNCH4). Also called: Colorectal cancer, hereditary nonpolyposis, type 4; Hereditary non-polyposis colorectal cancer, type 4. Identifiers: Orphanet 144, MedGen C1838333, MONDO:0013699, OMIM 614337. Disease mechanism: loss of function.
Hereditary nonpolyposis colorectal neoplasms. Identifiers: MedGen C0009405, MeSH D003123.

Submissions (2):

Myriad Genetics, Inc.
Classification: Benign for Lynch syndrome 4. Last evaluated: 2025-01-27. Review status: criteria provided, single submitter. Criteria: Myriad Autosomal Dominant, Autosomal Recessive and X-Linked Classification Criteria (2023). Collection method: clinical testing. Allele origin: unknown.
Comment: This variant is considered benign. This variant is a silent/synonymous amino acid change and it is not expected to impact splicing.

Labcorp Genetics (formerly Invitae), Labcorp
Classification: Likely benign for Hereditary nonpolyposis colorectal neoplasms. Last evaluated: 2019-10-28. Review status: criteria provided, single submitter. Criteria: Invitae Variant Classification Sherloc (09022015). Collection method: clinical testing. Allele origin: germline.